The following is an entry in ClinVar:

ClinVar aggregate classification (germline): Likely benign (1 of 4 stars; one submission).

Submission:

GeneDx
Classification: Likely benign. Last evaluated: 2017-09-08. Review status: criteria provided, single submitter. Criteria: GeneDx Variant Classification (06012015). Collection method: clinical testing. Allele origin: germline. Affected: yes.
Comment: This variant is considered likely benign or benign based on one or more of the following criteria: it is a conservative change, it occurs at a poorly conserved position in the protein, it is predicted to be benign by multiple in silico algorithms, and/or has population frequency not consistent with disease.

NM_000070.3(CAPN3):c.1194-26CT[4]

Gene: CAPN3 (calpain 3; plus strand). Cytogenetic location: 15q15.1.
Variant type: Microsatellite.
Coding change: c.1194-26CT[4] on transcript NM_000070.3 (MANE Select); four copies in a row of the 2-base unit CT starting at c.1194-26; the reference has five copies in a row; one copy, 2 bases deleted.
Molecular consequence: intron variant.
Genome position (GRCh38, 1-based): chr15:42,399,474-42,399,475, CT deleted; deleting any 2 consecutive bases within chr15:42,399,466-42,399,475 gives the same sequence; the position shown is the placement nearest the transcript's 3' end. VCF-style (leftmost placement, unchanged base first): chr15-42399465-GCT-G. GRCh37 (hg19) VCF-style: chr15-42691663-GCT-G.
Other names: c.1194-26CT[4] (NM_024344.2); c.1050-26CT[4] (NM_173087.2); c.1194-18_1194-17delCT (NM_000070.2).
Identifiers: ClinVar variation 420558 (VCV000420558.1), dbSNP rs367976885, ClinGen allele CA7511282.
Genomic context (GRCh38, chr15:42,399,465, plus strand): 5'-ATTGTGCTGTGTTAGTCCTGGGGTCTTCCGTTCCCAGCCCTCCTCACCTGCTCCCATATG[GCT>G]CTCTCTCTTCTTCCAACCTCTCAGGATGTCCTATGAGGATTTCATCTACCATTTCACAAA-3'